The following is an entry in ClinVar:

NM_139343.3(BIN1):c.1580C>T (p.Ala527Val)

Gene: BIN1 (bridging integrator 1; minus strand). Cytogenetic location: 2q14.3.
Variant type: single nucleotide variant.
Coding change: c.1580C>T on transcript NM_139343.3 (MANE Select); coding-DNA position 1580, C replaced by T.
Protein change: p.Ala527Val; replaces alanine 527 with valine.
Molecular consequence: missense variant.
Genome position (GRCh38, 1-based): chr2:127,050,515, G>A on the plus strand (C>T on the coding strand, the complement: BIN1 is on the minus strand). VCF-style: chr2-127050515-G-A. GRCh37 (hg19) VCF-style: chr2-127808091-G-A.
Other names: c.1073C>T, p.Ala358Val (NM_001320632.2); c.1211C>T, p.Ala404Val (NM_001320633.2); c.956C>T, p.Ala319Val (NM_001320634.1); c.1340C>T, p.Ala447Val (NM_001320640.2); c.1487C>T, p.Ala496Val (NM_001320641.2); c.1499C>T, p.Ala500Val (NM_001320642.1); c.1163C>T, p.Ala388Val (NM_004305.4); c.1451C>T, p.Ala484Val (NM_139344.3); and 7 more; short protein forms A416V, A527V, A343V, A373V, A388V, A404V, A409V, A440V.
Identifiers: ClinVar variation 1388319 (VCV001388319.6), dbSNP rs2104859449, ClinGen allele CA348374272.

ClinVar aggregate classification (germline): Uncertain significance (1 of 4 stars; one submission).

Conditions:
Myopathy, centronuclear, 2 (CNM2). Also called: MYOTUBULAR MYOPATHY, AUTOSOMAL RECESSIVE. Identifiers: Orphanet 169186, MedGen CN031787, MONDO:0009709, OMIM 255200.

Submission:

Labcorp Genetics (formerly Invitae), Labcorp
Classification: Uncertain significance for Myopathy, centronuclear, 2. Last evaluated: 2022-07-19. Review status: criteria provided, single submitter. Criteria: Invitae Variant Classification Sherloc (09022015). Collection method: clinical testing. Allele origin: germline.
Comment: In summary, the available evidence is currently insufficient to determine the role of this variant in disease. Therefore, it has been classified as a Variant of Uncertain Significance. Algorithms developed to predict the effect of missense changes on protein structure and function (SIFT, PolyPhen-2, Align-GVGD) all suggest that this variant is likely to be tolerated. ClinVar contains an entry for this variant (Variation ID: 1388319). This variant has not been reported in the literature in individuals affected with BIN1-related conditions. This variant is not present in population databases (gnomAD no frequency). This sequence change replaces alanine, which is neutral and non-polar, with valine, which is neutral and non-polar, at codon 527 of the BIN1 protein (p.Ala527Val).